The following is an entry in ClinVar:

ClinVar aggregate classification (germline): Uncertain significance. Review status: criteria provided, multiple submitters, no conflicts (2 of 4 stars). 3 submissions from 3 submitters: Uncertain significance (3). Last evaluated 2025-10-18.

Conditions:
Hereditary cancer-predisposing syndrome. Also called: Neoplastic Syndromes, Hereditary; Hereditary Cancer Syndrome; Tumor predisposition; Hereditary neoplastic syndrome. Identifiers: Orphanet 140162, MedGen C0027672, MeSH D009386, MONDO:0015356.
Ataxia-telangiectasia syndrome (AT). Also called: LOUIS-BAR SYNDROME; Cerebello-oculocutaneous telangiectasia; Immunodeficiency with ataxia telangiectasia; Ataxia-telangiectasia, complementation group D; AT, COMPLEMENTATION GROUP C; Ataxia-telangiectasia, complementation group E. Identifiers: Orphanet 100, MedGen C0004135, MONDO:0008840, OMIM 208900.

Submissions (3):

Labcorp Genetics (formerly Invitae), Labcorp
Classification: Uncertain significance for Ataxia-telangiectasia syndrome. Last evaluated: 2025-10-18. Review status: criteria provided, single submitter. Criteria: Invitae Variant Classification Sherloc (09022015). Collection method: clinical testing. Allele origin: germline.
Comment: This sequence change replaces serine, which is neutral and polar, with tyrosine, which is neutral and polar, at codon 1947 of the ATM protein (p.Ser1947Tyr). This variant is not present in population databases (gnomAD no frequency). This variant has not been reported in the literature in individuals affected with ATM-related conditions. ClinVar contains an entry for this variant (Variation ID: 482656). Invitae Evidence Modeling of protein sequence and biophysical properties (such as structural, functional, and spatial information, amino acid conservation, physicochemical variation, residue mobility, and thermodynamic stability) has been performed for this missense variant. However, the output from this modeling did not meet the statistical confidence thresholds required to predict the impact of this variant on ATM protein function. In summary, the available evidence is currently insufficient to determine the role of this variant in disease. Therefore, it has been classified as a Variant of Uncertain Significance.

Ambry Genetics
Classification: Uncertain significance for Hereditary cancer-predisposing syndrome. Last evaluated: 2025-06-20. Review status: criteria provided, single submitter. Criteria: Ambry Variant Classification Scheme 2023. Collection method: clinical testing. Allele origin: germline.
Comment: The p.S1947Y variant (also known as c.5840C>A), located in coding exon 38 of the ATM gene, results from a C to A substitution at nucleotide position 5840. The serine at codon 1947 is replaced by tyrosine, an amino acid with dissimilar properties. This amino acid position is well conserved in available vertebrate species. In addition, this alteration is predicted to be deleterious by in silico analysis. Since supporting evidence is limited at this time, the clinical significance of this alteration remains unclear.

Color Diagnostics, LLC DBA Color Health
Classification: Uncertain significance for Hereditary cancer-predisposing syndrome. Last evaluated: 2020-10-20. Review status: criteria provided, single submitter. Criteria: ACMG Guidelines, 2015. Collection method: clinical testing. Allele origin: germline.
Comment: This missense variant replaces serine with tyrosine at codon 1947 of the ATM protein. Computational prediction suggests that this variant may not impact protein structure and function (internally defined REVEL score threshold <= 0.5, PMID: 27666373). To our knowledge, functional studies have not been reported for this variant. This variant has not been reported in individuals affected with hereditary cancer in the literature. This variant has not been identified in the general population by the Genome Aggregation Database (gnomAD). The available evidence is insufficient to determine the role of this variant in disease conclusively. Therefore, this variant is classified as a Variant of Uncertain Significance.

NM_000051.4(ATM):c.5840C>A (p.Ser1947Tyr)

Genes: ATM (ATM serine/threonine kinase; plus strand), C11orf65 (chromosome 11 open reading frame 65; minus strand). Cytogenetic location: 11q22.3.
Variant type: single nucleotide variant.
Coding change: c.5840C>A on transcript NM_000051.4 (MANE Select); coding-DNA position 5840, C replaced by A.
Protein change: p.Ser1947Tyr; replaces serine 1947 with tyrosine.
Molecular consequence: missense variant. On other transcripts: intron variant (2).
Genome position (GRCh38, 1-based): chr11:108,310,237, C>A. VCF-style: chr11-108310237-C-A. GRCh37 (hg19) VCF-style: chr11-108180964-C-A.
Other names: c.5840C>A, p.Ser1947Tyr (NM_001351834.2); c.641-1166G>T (NM_001330368.2); c.*39-1166G>T (NM_001351110.2); short protein forms S1947Y.
Identifiers: ClinVar variation 482656 (VCV000482656.15), dbSNP rs1555110399, ClinGen allele CA382548437.
Genomic context (GRCh38, chr11:108,310,237, plus strand): 5'-TTTTTAATGATGCTTTCTGGCTGGATTTAAATTATCTAGAAGTTGCCAAGGTAGCTCAGT[C>A]TTGTGCTGCTCACTTTACAGCTTTACTCTATGCAGAAATCTATGCAGATAAGAAAAGTAT-3'
Protein context (NP_000042.3, residues 1937-1957): NYLEVAKVAQ[Ser1947Tyr]CAAHFTALLY